The following is an entry in ClinVar:

ClinVar aggregate classification (germline): Likely benign. Review status: criteria provided, multiple submitters, no conflicts (2 of 4 stars). 3 submissions from 3 submitters: Likely benign (3). Last evaluated 2024-06-17.

Conditions:
Hereditary cancer-predisposing syndrome. Also called: Hereditary Cancer Syndrome; Neoplastic Syndromes, Hereditary; Tumor predisposition; Hereditary neoplastic syndrome. Identifiers: Orphanet 140162, MedGen C0027672, MeSH D009386, MONDO:0015356.
Familial cancer of breast. Also called: BREAST CANCER, FAMILIAL; Hereditary breast cancer; hereditary breast carcinoma. Identifiers: Orphanet 227535, MedGen C0346153, MONDO:0016419, OMIM 114480. Disease mechanism: loss of function.
Ataxia-telangiectasia syndrome (AT). Also called: Cerebello-oculocutaneous telangiectasia; Immunodeficiency with ataxia telangiectasia; Ataxia-telangiectasia, complementation group E; Ataxia-telangiectasia, complementation group D; AT, COMPLEMENTATION GROUP C; ATAXIA-TELANGIECTASIA, COMPLEMENTATION GROUP A. Identifiers: Orphanet 100, MedGen C0004135, MONDO:0008840, OMIM 208900.

Submissions (3):

Myriad Genetics, Inc.
Classification: Likely benign for Familial cancer of breast. Last evaluated: 2024-06-17. Review status: criteria provided, single submitter. Criteria: Myriad Autosomal Dominant, Autosomal Recessive and X-Linked Classification Criteria (2023). Collection method: clinical testing. Allele origin: unknown.
Comment: This variant is considered likely benign. This variant is intronic and is not expected to impact mRNA splicing.

Labcorp Genetics (formerly Invitae), Labcorp
Classification: Likely benign for Ataxia-telangiectasia syndrome. Last evaluated: 2023-10-09. Review status: criteria provided, single submitter. Criteria: Invitae Variant Classification Sherloc (09022015). Collection method: clinical testing. Allele origin: germline.

Color Diagnostics, LLC DBA Color Health
Classification: Likely benign for Hereditary cancer-predisposing syndrome. Last evaluated: 2017-05-07. Review status: criteria provided, single submitter. Criteria: ACMG Guidelines, 2015. Collection method: clinical testing. Allele origin: germline.

NM_000051.4(ATM):c.7788+10T>G

Genes: ATM (ATM serine/threonine kinase; plus strand), C11orf65 (chromosome 11 open reading frame 65; minus strand). Cytogenetic location: 11q22.3.
Variant type: single nucleotide variant.
Coding change: c.7788+10T>G on transcript NM_000051.4 (MANE Select); 10 bases into the intron after coding-DNA position 7788, T replaced by G.
Molecular consequence: intron variant.
Genome position (GRCh38, 1-based): chr11:108,332,047, T>G. VCF-style: chr11-108332047-T-G. GRCh37 (hg19) VCF-style: chr11-108202774-T-G.
Other names: c.7788+10T>G (NM_001351834.2); c.641-22976A>C (NM_001330368.2); c.*38+3173A>C (NM_001351110.2).
Identifiers: ClinVar variation 490709 (VCV000490709.11), dbSNP rs1555124759, ClinGen allele CA658683764.
Genomic context (GRCh38, chr11:108,332,047, plus strand): 5'-AGAAGCAGAATAACTAAAAATGTGCCTAAACAAAGCTCTCAGCTTGATGAGGTATTTGGA[T>G]TAAACATACGTACCTTTTAGAAGTGTGATATTCAGTCTTTCCTAGAATATTTCTTTTTAA-3'